The following is an entry in ClinVar:

ClinVar aggregate classification (germline): Benign. Review status: criteria provided, multiple submitters, no conflicts (2 of 4 stars). 15 submissions from 14 submitters: Benign (12). 3 of the submissions do not count toward it. Last evaluated 2026-02-04.

Conditions:
Cardiomyopathy, dilated, 2E. Identifiers: MedGen C5561970, MONDO:0030366, OMIM 619492.
Cardiovascular phenotype. Identifiers: MedGen CN230736.
Hypertrophic cardiomyopathy 17. Identifiers: MedGen C3151264, MONDO:0013474, OMIM 613873.
Hypertrophic cardiomyopathy. Also called: HYPERTROPHIC MYOCARDIOPATHY. Identifiers: Orphanet 217569, MedGen C0007194, MeSH D002312, MONDO:0005045, HP:0001639.

Allele frequency attached by ClinVar (database versions not stated): gnomAD exomes 0.83335 and 0.84555; ExAC 0.84495; 1000 Genomes Project 0.85423; 1000 Genomes Project 30x 0.85790; gnomAD 0.86369 and 0.86681; ESP Exome Variant Server 0.86629; TOPMed 0.86735.
gnomAD v4.1: 1,349,538 of 1,613,862 alleles (84%); highest among the groups gnomAD compares: African/African-American, 94%; 565,409 homozygotes.

Submissions (15):

Labcorp Genetics (formerly Invitae), Labcorp
Classification: Benign for Hypertrophic cardiomyopathy. Last evaluated: 2026-02-04. Review status: criteria provided, single submitter. Criteria: Invitae Variant Classification Sherloc (09022015). Collection method: clinical testing. Allele origin: germline.

ARUP Laboratories, Molecular Genetics and Genomics, ARUP Laboratories
Classification: Benign. Last evaluated: 2025-07-28. Review status: criteria provided, single submitter. Criteria: ARUP Molecular Germline Variant Investigation Process 2024. Collection method: clinical testing. Allele origin: germline.

Blueprint Genetics
Classification: Benign. Last evaluated: 2024-11-28. Review status: criteria provided, single submitter. Criteria: ACMG Guidelines, 2015. Collection method: clinical testing. Allele origin: germline.

Mayo Clinic Laboratories, Mayo Clinic
Classification: Benign. Last evaluated: 2022-04-26. Review status: criteria provided, single submitter. Criteria: ACMG Guidelines, 2015. Collection method: clinical testing. Allele origin: germline. Observed: 912 variant alleles.

Genome-Nilou Lab
Classification: Benign for Cardiomyopathy, dilated, 2E. Last evaluated: 2021-08-19. Review status: criteria provided, single submitter. Criteria: ACMG Guidelines, 2015. Collection method: clinical testing. Allele origin: germline. Affected: no.

Genome-Nilou Lab
Classification: Benign for Hypertrophic cardiomyopathy 17. Last evaluated: 2021-08-19. Review status: criteria provided, single submitter. Criteria: ACMG Guidelines, 2015. Collection method: clinical testing. Allele origin: germline. Affected: no.

Molecular Diagnostic Laboratory for Inherited Cardiovascular Disease, Montreal Heart Institute
Classification: Benign. Last evaluated: 2017-06-20. Review status: criteria provided, single submitter. Criteria: ACMG Guidelines, 2015. Collection method: clinical testing. Allele origin: germline. Affected: yes.

Clinical Genetics DNA and cytogenetics Diagnostics Lab, Erasmus MC, Erasmus Medical Center
Classification: Benign for Hypertrophic cardiomyopathy 17. Last evaluated: 2015-09-21. Review status: criteria provided, single submitter. Criteria: ACGS Guidelines, 2013. Collection method: clinical testing. Allele origin: germline. Affected: yes. Study: VKGL Data-share Consensus.

Ambry Genetics
Classification: Benign for Cardiovascular phenotype. Last evaluated: 2015-03-11. Review status: criteria provided, single submitter. Criteria: Ambry Variant Classification Scheme 2023. Collection method: clinical testing. Allele origin: germline.

Laboratory for Molecular Medicine, Mass General Brigham Personalized Medicine
Classification: Benign. Last evaluated: 2014-11-24. Review status: criteria provided, single submitter. Criteria: LMM Criteria. Collection method: clinical testing. Allele origin: germline. Observed: 505 variant alleles.
Comment: Tyr52Tyr in exon 1 of JPH2: This variant is not expected to have clinical signif icance because it does not alter an amino acid residue and is not located within the splice consensus sequence. It has been identified in 17.1% (1468/8600) of E uropean American chromosomes from a broad population by the NHLBI Exome Sequenci ng Project (dbSNP rs1883790).

GeneDx
Classification: Benign. Last evaluated: 2014-01-08. Review status: criteria provided, single submitter. Criteria: GeneDx Variant Classification (06012015). Collection method: clinical testing. Allele origin: germline. Affected: yes.
Comment: This variant is considered likely benign or benign based on one or more of the following criteria: it is a conservative change, it occurs at a poorly conserved position in the protein, it is predicted to be benign by multiple in silico algorithms, and/or has population frequency not consistent with disease.

Breakthrough Genomics
Classification: Benign. Review status: criteria provided, single submitter. Criteria: ACMG Guidelines, 2015. Collection method: not provided. Allele origin: germline. Inheritance: Autosomal recessive inheritance. Affected: yes.

Clinical Genetics, Academic Medical Center
Classification: Benign. Review status: no assertion criteria provided. Collection method: clinical testing. Allele origin: germline. Affected: yes. Study: VKGL Data-share Consensus. Not counted in ClinVar's aggregate classification.

Diagnostic Laboratory, Department of Genetics, University Medical Center Groningen
Classification: Benign for Hypertrophic cardiomyopathy 17. Review status: no assertion criteria provided. Collection method: clinical testing. Allele origin: germline. Affected: yes. Study: VKGL Data-share Consensus. Not counted in ClinVar's aggregate classification.

Joint Genome Diagnostic Labs from Nijmegen and Maastricht, Radboudumc and MUMC+
Classification: Benign. Review status: no assertion criteria provided. Collection method: clinical testing. Allele origin: germline. Affected: yes. Study: VKGL Data-share Consensus. Not counted in ClinVar's aggregate classification.

NM_020433.5(JPH2):c.156C>T (p.Tyr52=)

Gene: JPH2 (junctophilin 2; minus strand). Cytogenetic location: 20q13.12.
Variant type: single nucleotide variant.
Coding change: c.156C>T on transcript NM_020433.5 (MANE Select); coding-DNA position 156, C replaced by T.
Protein change: p.Tyr52=; no amino-acid change (tyrosine 52 retained).
Molecular consequence: synonymous variant.
Genome position (GRCh38, 1-based): chr20:44,186,550, G>A on the plus strand (C>T on the coding strand, the complement: JPH2 is on the minus strand). VCF-style: chr20-44186550-G-A. GRCh37 (hg19) VCF-style: chr20-42815190-G-A.
Other names: p.Y52Y:TAC>TAT; p.Tyr52=; c.156C>T, p.Tyr52= (NM_175913.4).
Identifiers: ClinVar variation 137602 (VCV000137602.45), dbSNP rs1883790, ClinGen allele CA333084.